The following is an entry in ClinVar:

NM_002335.4(LRP5):c.2504G>A (p.Gly835Asp)

Gene: LRP5 (LDL receptor related protein 5; plus strand). Cytogenetic location: 11q13.2.
Variant type: single nucleotide variant.
Coding change: c.2504G>A on transcript NM_002335.4 (MANE Select); coding-DNA position 2504, G replaced by A.
Protein change: p.Gly835Asp; replaces glycine 835 with aspartic acid.
Molecular consequence: missense variant.
Genome position (GRCh38, 1-based): chr11:68,413,689, G>A. VCF-style: chr11-68413689-G-A. GRCh37 (hg19) VCF-style: chr11-68181157-G-A.
Other names: c.761G>A, p.Gly254Asp (NM_001291902.2); short protein forms G254D, G835D.
Identifiers: ClinVar variation 1021572 (VCV001021572.9), dbSNP rs2098660836, ClinGen allele CA381618046.

ClinVar aggregate classification (germline): Uncertain significance (1 of 4 stars; one submission).

Submission:

Labcorp Genetics (formerly Invitae), Labcorp
Classification: Uncertain significance. Last evaluated: 2020-01-01. Review status: criteria provided, single submitter. Criteria: Invitae Variant Classification Sherloc (09022015). Collection method: clinical testing. Allele origin: germline.
Comment: This sequence change replaces glycine with aspartic acid at codon 835 of the LRP5 protein (p.Gly835Asp). The glycine residue is highly conserved and there is a moderate physicochemical difference between glycine and aspartic acid. This variant is not present in population databases (ExAC no frequency). This variant has not been reported in the literature in individuals with LRP5-related conditions. Algorithms developed to predict the effect of missense changes on protein structure and function (SIFT, PolyPhen-2, Align-GVGD) all suggest that this variant is likely to be disruptive, but these predictions have not been confirmed by published functional studies and their clinical significance is uncertain. In summary, the available evidence is currently insufficient to determine the role of this variant in disease. Therefore, it has been classified as a Variant of Uncertain Significance.